The following is an entry in ClinVar:

NM_000059.4(BRCA2):c.126dup (p.Asn43Ter)

Gene: BRCA2 (BRCA2 DNA repair associated; plus strand). Cytogenetic location: 13q13.1.
Variant type: Duplication.
Coding change: c.126dup on transcript NM_000059.4 (MANE Select); coding-DNA position 126, one base duplicated (T; older notation c.126dupT).
Protein change: p.Asn43Ter; replaces asparagine 43 with a stop codon.
Molecular consequence: nonsense. On other transcripts: 5 prime UTR variant (1), non-coding transcript variant (1).
Genome position (GRCh38, 1-based): chr13:32,319,135, T duplicated. VCF-style (leftmost placement, unchanged base first): chr13-32319134-A-AT. GRCh37 (hg19) VCF-style: chr13-32893271-A-AT.
Other names: c.126dupT (NM_000059.4); c.126dup, p.Asn43Ter (NM_001406719.1, NM_001406720.1, NM_001406721.1 and 1 more transcripts); c.-244dup (NM_001406722.1); short protein forms N43*.
Identifiers: ClinVar variation 3895922 (VCV003895922.1).

ClinVar aggregate classification (germline): Pathogenic (1 of 4 stars; one submission).

Conditions:
Hereditary breast ovarian cancer syndrome. Also called: Hereditary breast and ovarian cancer syndrome; Hereditary breast and/or ovarian cancer syndrome; Hereditary breast and ovarian cancer; Hereditary breast and ovarian cancer syndrome (HBOC); BRCA1- and BRCA2-Associated Hereditary Breast and Ovarian Cancer; Breast and ovarian cancer. Identifiers: Orphanet 145, MedGen C0677776, MeSH D061325, MONDO:0003582. Disease mechanism: loss of function.

Submission:

Women's Health and Genetics/Laboratory Corporation of America, LabCorp
Classification: Pathogenic for Hereditary breast ovarian cancer syndrome. Last evaluated: 2025-03-26. Review status: criteria provided, single submitter. Criteria: LabCorp Variant Classification Summary - May 2015. Collection method: clinical testing. Allele origin: germline.
Comment: Variant summary: BRCA2 c.126dupT (p.Asn43X) results in a premature termination codon, predicted to cause a truncation of the encoded protein or absence of the protein due to nonsense mediated decay, which are commonly known mechanisms for disease. The variant was absent in 251278 control chromosomes. To our knowledge, no occurrence of c.126dupT in individuals affected with Hereditary Breast And Ovarian Cancer Syndrome and no experimental evidence demonstrating its impact on protein function have been reported. No submitters have cited clinical-significance assessments for this variant to ClinVar. Based on the evidence outlined above, the variant was classified as pathogenic.